The following is an entry in ClinVar:

ClinVar aggregate classification (germline): Likely benign (1 of 4 stars; one submission).

Conditions:
Marfan syndrome (MFS). Also called: MARFAN SYNDROME, TYPE I; Marfan syndrome type 1; Marfan's syndrome; Marfan syndrome, classic; FBN1-Related Marfan Syndrome. Identifiers: Orphanet 284963, Orphanet 558, MedGen C0024796, MONDO:0007947, OMIM 154700.

Submission:

All of Us Research Program, National Institutes of Health
Classification: Likely benign for Marfan syndrome. Last evaluated: 2023-12-13. Review status: criteria provided, single submitter. Criteria: ACMG Guidelines, 2015. Collection method: clinical testing. Allele origin: germline. Inheritance: Autosomal dominant inheritance. Observed: 1 variant allele, 1 heterozygote.
Comment: This study involves interpretation of variants in research participants for the purpose of population health screening. Participant phenotype was not available at the time of variant classification. Additional details can be found in publication PMID: 35346344, PMCID: PMC8962531

NM_000138.5(FBN1):c.6164-15A>G

Gene: FBN1 (fibrillin 1; minus strand). Cytogenetic location: 15q21.1.
Variant type: single nucleotide variant.
Coding change: c.6164-15A>G on transcript NM_000138.5 (MANE Select); 15 bases into the intron before coding-DNA position 6164, A replaced by G.
Molecular consequence: intron variant.
Genome position (GRCh38, 1-based): chr15:48,437,932, T>C on the plus strand (A>G on the coding strand, the complement: FBN1 is on the minus strand). VCF-style: chr15-48437932-T-C. GRCh37 (hg19) VCF-style: chr15-48730129-T-C.
Other names: c.6164-15A>G (NM_001406716.1).
Identifiers: ClinVar variation 3074933 (VCV003074933.1), dbSNP rs2505439006, ClinGen allele CA2825002273.
Genomic context (GRCh38, chr15:48,437,932, plus strand): 5'-CACTTTCCTCCTTCAAACTTCGCATAACAGTAGCTCATTCGCAAATCTGCAGCATAAATT[T>C]ATGACACCCTTCAGTTGCTTTCCTACTGAGTCCGTATTGCACCATAGCAAATAAAGAACA-3'